The following is an entry in ClinVar:

ClinVar aggregate classification (germline): Uncertain significance. Review status: criteria provided, multiple submitters, no conflicts (2 of 4 stars). 3 submissions from 3 submitters: Uncertain significance (2). 1 of the submissions does not count toward it. Last evaluated 2021-11-06.

Conditions:
Retinitis pigmentosa 25 (RP25). Identifiers: Orphanet 791, MedGen C1864446, MONDO:0011272, OMIM 602772.

Allele frequency attached by ClinVar (database versions not stated): gnomAD exomes below 0.00001; ExAC 0.00001; gnomAD 0.00003; TOPMed 0.00003.
gnomAD v4.1: 9 of 1,529,462 alleles (0.00059%); highest among the groups gnomAD compares: Non-Finnish European, 0.00082%; no homozygotes.

Submissions (3):

Labcorp Genetics (formerly Invitae), Labcorp
Classification: Uncertain significance. Last evaluated: 2021-11-06. Review status: criteria provided, single submitter. Criteria: Invitae Variant Classification Sherloc (09022015). Collection method: clinical testing. Allele origin: germline.
Comment: This sequence change replaces cysteine, which is neutral and slightly polar, with tyrosine, which is neutral and polar, at codon 385 of the EYS protein (p.Cys385Tyr). This variant is present in population databases (rs775400880, gnomAD 0.0009%). This variant has not been reported in the literature in individuals affected with EYS-related conditions. ClinVar contains an entry for this variant (Variation ID: 971179). Algorithms developed to predict the effect of missense changes on protein structure and function output the following: SIFT: "Tolerated"; PolyPhen-2: "Benign"; Align-GVGD: "Class C0". The tyrosine amino acid residue is found in multiple mammalian species, which suggests that this missense change does not adversely affect protein function. In summary, the available evidence is currently insufficient to determine the role of this variant in disease. Therefore, it has been classified as a Variant of Uncertain Significance.

Blueprint Genetics
Classification: Uncertain significance. Last evaluated: 2021-06-23. Review status: criteria provided, single submitter. Criteria: ACMG Guidelines, 2015. Collection method: clinical testing. Allele origin: germline.

Natera, Inc.
Classification: Uncertain significance for Retinitis pigmentosa type 25. Last evaluated: 2021-09-27. Review status: no assertion criteria provided. Collection method: clinical testing. Allele origin: germline. Not counted in ClinVar's aggregate classification.

NM_001142800.2(EYS):c.1154G>A (p.Cys385Tyr)

Gene: EYS (EGF-like photoreceptor maintenance factor; minus strand). Cytogenetic location: 6q12.
Variant type: single nucleotide variant.
Coding change: c.1154G>A on transcript NM_001142800.2 (MANE Select); coding-DNA position 1154, G replaced by A.
Protein change: p.Cys385Tyr; replaces cysteine 385 with tyrosine.
Molecular consequence: missense variant.
Genome position (GRCh38, 1-based): chr6:65,402,508, C>T on the plus strand (G>A on the coding strand, the complement: EYS is on the minus strand). VCF-style: chr6-65402508-C-T. GRCh37 (hg19) VCF-style: chr6-66112401-C-T.
Other names: c.1154G>A, p.Cys385Tyr (NM_001142801.2, NM_001292009.2, NM_198283.2); short protein forms C385Y.
Identifiers: ClinVar variation 971179 (VCV000971179.5), dbSNP rs775400880, ClinGen allele CA3877855.